The following is an entry in ClinVar:

ClinVar aggregate classification (germline): Uncertain significance (1 of 4 stars; one submission).

Submission:

Labcorp Genetics (formerly Invitae), Labcorp
Classification: Uncertain significance. Last evaluated: 2023-01-07. Review status: criteria provided, single submitter. Criteria: Invitae Variant Classification Sherloc (09022015). Collection method: clinical testing. Allele origin: germline.
Comment: In summary, the available evidence is currently insufficient to determine the role of this variant in disease. Therefore, it has been classified as a Variant of Uncertain Significance. Algorithms developed to predict the effect of missense changes on protein structure and function (SIFT, PolyPhen-2, Align-GVGD) all suggest that this variant is likely to be tolerated. This sequence change replaces proline, which is neutral and non-polar, with arginine, which is basic and polar, at codon 628 of the ADGRA3 protein (p.Pro628Arg). This variant is not present in population databases (gnomAD no frequency). This variant has not been reported in the literature in individuals affected with ADGRA3-related conditions.

NM_145290.4(ADGRA3):c.1883C>G (p.Pro628Arg)

Gene: ADGRA3 (adhesion G protein-coupled receptor A3; minus strand). Cytogenetic location: 4p15.2.
Variant type: single nucleotide variant.
Coding change: c.1883C>G on transcript NM_145290.4 (MANE Select); coding-DNA position 1883, C replaced by G.
Protein change: p.Pro628Arg; replaces proline 628 with arginine.
Molecular consequence: missense variant.
Genome position (GRCh38, 1-based): chr4:22,413,741, G>C on the plus strand (C>G on the coding strand, the complement: ADGRA3 is on the minus strand). VCF-style: chr4-22413741-G-C. GRCh37 (hg19) VCF-style: chr4-22415364-G-C.
Other names: short protein forms P628R.
Identifiers: ClinVar variation 2871384 (VCV002871384.3), dbSNP rs1715316362, ClinGen allele CA356480232.